The following is an entry in ClinVar:

ClinVar aggregate classification (germline): Uncertain significance. Review status: criteria provided, multiple submitters, no conflicts (2 of 4 stars). 2 submissions from 2 submitters: Uncertain significance (2). Last evaluated 2021-04-09.

Conditions:
Hereditary cancer-predisposing syndrome. Also called: Hereditary Cancer Syndrome; Tumor predisposition; Hereditary neoplastic syndrome; Neoplastic Syndromes, Hereditary. Identifiers: Orphanet 140162, MedGen C0027672, MeSH D009386, MONDO:0015356.
Hereditary diffuse gastric adenocarcinoma (HDGC). Also called: DIFFUSE GASTRIC AND LOBULAR BREAST CANCER SYNDROME. Identifiers: Orphanet 26106, MedGen C1708349, MONDO:0007648, OMIM 137215.

Allele frequency attached by ClinVar (database versions not stated): TOPMed below 0.00001.

Submissions (2):

Labcorp Genetics (formerly Invitae), Labcorp
Classification: Uncertain significance for Hereditary diffuse gastric adenocarcinoma. Last evaluated: 2021-04-09. Review status: criteria provided, single submitter. Criteria: Invitae Variant Classification Sherloc (09022015). Collection method: clinical testing. Allele origin: germline.
Comment: In summary, the available evidence is currently insufficient to determine the role of this variant in disease. Therefore, it has been classified as a Variant of Uncertain Significance. Algorithms developed to predict the effect of missense changes on protein structure and function are either unavailable or do not agree on the potential impact of this missense change (SIFT: "Deleterious"; PolyPhen-2: "Possibly Damaging"; Align-GVGD: "Class C0"). This variant has not been reported in the literature in individuals with CDH1-related conditions. This variant is not present in population databases (ExAC no frequency). This sequence change replaces threonine with isoleucine at codon 323 of the CDH1 protein (p.Thr323Ile). The threonine residue is moderately conserved and there is a moderate physicochemical difference between threonine and isoleucine.

Ambry Genetics
Classification: Uncertain significance for Hereditary cancer-predisposing syndrome. Last evaluated: 2020-08-13. Review status: criteria provided, single submitter. Criteria: Ambry Variant Classification Scheme 2023. Collection method: clinical testing. Allele origin: germline.
Comment: The p.T323I variant (also known as c.968C>T), located in coding exon 7 of the CDH1 gene, results from a C to T substitution at nucleotide position 968. The threonine at codon 323 is replaced by isoleucine, an amino acid with similar properties. This amino acid position is not well conserved in available vertebrate species. In addition, the in silico prediction for this alteration is inconclusive. Since supporting evidence is limited at this time, the clinical significance of this alteration remains unclear.

NM_004360.5(CDH1):c.968C>T (p.Thr323Ile)

Gene: CDH1 (cadherin 1; plus strand). Cytogenetic location: 16q22.1.
Variant type: single nucleotide variant.
Coding change: c.968C>T on transcript NM_004360.5 (MANE Select); coding-DNA position 968, C replaced by T.
Protein change: p.Thr323Ile; replaces threonine 323 with isoleucine.
Molecular consequence: missense variant. On other transcripts: 5 prime UTR variant (2).
Genome position (GRCh38, 1-based): chr16:68,811,819, C>T. VCF-style: chr16-68811819-C-T. GRCh37 (hg19) VCF-style: chr16-68845722-C-T.
Other names: c.968C>T, p.Thr323Ile (NM_001317184.2); c.-648C>T (NM_001317185.2); c.-852C>T (NM_001317186.2); short protein forms T323I.
Identifiers: ClinVar variation 1055799 (VCV001055799.11), dbSNP rs1487750656, ClinGen allele CA396459832.